The following is an entry in ClinVar:

ClinVar aggregate classification (germline): Uncertain significance (1 of 4 stars; one submission).

gnomAD v4.1: 3 of 1,614,020 alleles (0.00019%); highest among the groups gnomAD compares: Admixed American, 0.0017%; no homozygotes.

Submission:

Labcorp Genetics (formerly Invitae), Labcorp
Classification: Uncertain significance. Last evaluated: 2025-02-27. Review status: criteria provided, single submitter. Criteria: Invitae Variant Classification Sherloc (09022015). Collection method: clinical testing. Allele origin: germline.
Comment: This sequence change replaces methionine, which is neutral and non-polar, with threonine, which is neutral and polar, at codon 637 of the MIPEP protein (p.Met637Thr). This variant is present in population databases (no rsID available, gnomAD 0.003%). This variant has not been reported in the literature in individuals affected with MIPEP-related conditions. Invitae Evidence Modeling of protein sequence and biophysical properties (such as structural, functional, and spatial information, amino acid conservation, physicochemical variation, residue mobility, and thermodynamic stability) indicates that this missense variant is not expected to disrupt MIPEP protein function with a negative predictive value of 80%. In summary, the available evidence is currently insufficient to determine the role of this variant in disease. Therefore, it has been classified as a Variant of Uncertain Significance.

NM_005932.4(MIPEP):c.1910T>C (p.Met637Thr)

Gene: MIPEP (mitochondrial intermediate peptidase; minus strand). Cytogenetic location: 13q12.12.
Variant type: single nucleotide variant.
Coding change: c.1910T>C on transcript NM_005932.4 (MANE Select); coding-DNA position 1910, T replaced by C.
Protein change: p.Met637Thr; replaces methionine 637 with threonine.
Molecular consequence: missense variant.
Genome position (GRCh38, 1-based): chr13:23,760,156, A>G on the plus strand (T>C on the coding strand, the complement: MIPEP is on the minus strand). VCF-style: chr13-23760156-A-G. GRCh37 (hg19) VCF-style: chr13-24334295-A-G.
Other names: short protein forms M637T.
Identifiers: ClinVar variation 4771031 (VCV004771031.1).